The following is an entry in ClinVar:

NM_015154.3(MESD):c.286A>G (p.Ile96Val)

Gene: MESD (mesoderm development LRP chaperone; minus strand). Cytogenetic location: 15q25.1.
Variant type: single nucleotide variant.
Coding change: c.286A>G on transcript NM_015154.3 (MANE Select); coding-DNA position 286, A replaced by G.
Protein change: p.Ile96Val; replaces isoleucine 96 with valine.
Molecular consequence: missense variant. On other transcripts: non-coding transcript variant (1).
Genome position (GRCh38, 1-based): chr15:80,982,110, T>C on the plus strand (A>G on the coding strand, the complement: MESD is on the minus strand). VCF-style: chr15-80982110-T-C. GRCh37 (hg19) VCF-style: chr15-81274451-T-C.
Other names: short protein forms I96V.
Identifiers: ClinVar variation 2010007 (VCV002010007.4), dbSNP rs2542678330, ClinGen allele CA393254481.
Genomic context (GRCh38, chr15:80,982,110, plus strand): 5'-TCATGAGAGTCTTCCCTTTTTTCGTCATTTTCAATATGCTTTCAGGCTTGCTTGGGTCTA[T>C]CTTTGAGAAGTCGACAGGTGCTGAAGGTCTCTTGTGCTCTGGAAGATCTCCTTCTTCAAT-3'
Protein context (NP_055969.1, residues 86-106): RPSAPVDFSK[Ile96Val]DPSKPESILK

ClinVar aggregate classification (germline): Uncertain significance (1 of 4 stars; one submission).

Submission:

Labcorp Genetics (formerly Invitae), Labcorp
Classification: Uncertain significance. Last evaluated: 2022-06-23. Review status: criteria provided, single submitter. Criteria: Invitae Variant Classification Sherloc (09022015). Collection method: clinical testing. Allele origin: germline.
Comment: In summary, the available evidence is currently insufficient to determine the role of this variant in disease. Therefore, it has been classified as a Variant of Uncertain Significance. Algorithms developed to predict the effect of sequence changes on RNA splicing suggest that this variant may create or strengthen a splice site. Algorithms developed to predict the effect of missense changes on protein structure and function output the following: SIFT: "Tolerated"; PolyPhen-2: "Benign"; Align-GVGD: "Class C0". The valine amino acid residue is found in multiple mammalian species, which suggests that this missense change does not adversely affect protein function. This variant has not been reported in the literature in individuals affected with MESDC2-related conditions. This variant is not present in population databases (gnomAD no frequency). This sequence change replaces isoleucine, which is neutral and non-polar, with valine, which is neutral and non-polar, at codon 96 of the MESDC2 protein (p.Ile96Val).